The following is an entry in ClinVar:

ClinVar aggregate classification (germline): Uncertain significance (1 of 4 stars; one submission).

Conditions:
Hereditary cancer-predisposing syndrome. Also called: Neoplastic Syndromes, Hereditary; Tumor predisposition; Hereditary Cancer Syndrome; Hereditary neoplastic syndrome. Identifiers: Orphanet 140162, MedGen C0027672, MeSH D009386, MONDO:0015356.

Submission:

Ambry Genetics
Classification: Uncertain significance for Hereditary cancer-predisposing syndrome. Last evaluated: 2026-04-10. Review status: criteria provided, single submitter. Criteria: Ambry Variant Classification Scheme 2023. Collection method: clinical testing. Allele origin: germline.
Comment: The p.N842I variant (also known as c.2525A>T), located in coding exon 15 of the PMS2 gene, results from an A to T substitution at nucleotide position 2525. The asparagine at codon 842 is replaced by isoleucine, an amino acid with dissimilar properties. This amino acid position is conserved. In addition, the in silico prediction for this alteration is inconclusive. Since supporting evidence is limited at this time, the clinical significance of this alteration remains unclear.

NM_000535.7(PMS2):c.2525A>T (p.Asn842Ile)

Gene: PMS2 (PMS1 homolog 2, mismatch repair system component; minus strand). Cytogenetic location: 7p22.1.
Variant type: single nucleotide variant.
Coding change: c.2525A>T on transcript NM_000535.7 (MANE Select); coding-DNA position 2525, A replaced by T.
Protein change: p.Asn842Ile; replaces asparagine 842 with isoleucine.
Molecular consequence: missense variant. On other transcripts: non-coding transcript variant (1).
Genome position (GRCh38, 1-based): chr7:5,973,463, T>A on the plus strand (A>T on the coding strand, the complement: PMS2 is on the minus strand). VCF-style: chr7-5973463-T-A. GRCh37 (hg19) VCF-style: chr7-6013094-T-A.
Other names: c.2159A>T, p.Asn720Ile (NM_001406886.1); c.2153A>T, p.Asn718Ile (NM_001406887.1, NM_001406888.1, NM_001322009.2); c.2120A>T, p.Asn707Ile (NM_001406889.1, NM_001406890.1, NM_001406891.1 and 11 more transcripts); c.2711A>T, p.Asn904Ile (NM_001406866.1); c.2549A>T, p.Asn850Ile (NM_001406868.1); c.2417A>T, p.Asn806Ile (NM_001406869.1); c.2402A>T, p.Asn801Ile (NM_001406870.1); c.2381A>T, p.Asn794Ile (NM_001406871.1); and 20 more; short protein forms N441I, N531I, N585I, N603I, N651I, N655I, N671I, N680I.
Identifiers: ClinVar variation 4862087 (VCV004862087.1).